The following is an entry in ClinVar:

NM_000327.4(ROM1):c.701A>G (p.Tyr234Cys)

Gene: ROM1 (retinal outer segment membrane protein 1; plus strand). Cytogenetic location: 11q12.3.
Variant type: single nucleotide variant.
Coding change: c.701A>G on transcript NM_000327.4 (MANE Select); coding-DNA position 701, A replaced by G.
Protein change: p.Tyr234Cys; replaces tyrosine 234 with cysteine.
Molecular consequence: missense variant.
Genome position (GRCh38, 1-based): chr11:62,614,368, A>G. VCF-style: chr11-62614368-A-G. GRCh37 (hg19) VCF-style: chr11-62381840-A-G.
Other names: short protein forms Y234C.
Identifiers: ClinVar variation 1020691 (VCV001020691.7), dbSNP rs774359833, ClinGen allele CA6049810.

ClinVar aggregate classification (germline): Uncertain significance (1 of 4 stars; one submission).

Allele frequency attached by ClinVar (database versions not stated): ExAC 0.00001; gnomAD exomes 0.00001; gnomAD 0.00003; TOPMed 0.00003.

Submission:

Labcorp Genetics (formerly Invitae), Labcorp
Classification: Uncertain significance. Last evaluated: 2025-07-29. Review status: criteria provided, single submitter. Criteria: Invitae Variant Classification Sherloc (09022015). Collection method: clinical testing. Allele origin: germline.
Comment: This sequence change replaces tyrosine, which is neutral and polar, with cysteine, which is neutral and slightly polar, at codon 234 of the ROM1 protein (p.Tyr234Cys). This variant is present in population databases (rs774359833, gnomAD 0.004%). This variant has not been reported in the literature in individuals affected with ROM1-related conditions. ClinVar contains an entry for this variant (Variation ID: 1020691). Invitae Evidence Modeling of protein sequence and biophysical properties (such as structural, functional, and spatial information, amino acid conservation, physicochemical variation, residue mobility, and thermodynamic stability) indicates that this missense variant is not expected to disrupt ROM1 protein function with a negative predictive value of 80%. In summary, the available evidence is currently insufficient to determine the role of this variant in disease. Therefore, it has been classified as a Variant of Uncertain Significance.